The following is an entry in ClinVar:

NM_005585.5(SMAD6):c.776T>C (p.Val259Ala)

Gene: SMAD6 (SMAD family member 6; plus strand). Cytogenetic location: 15q22.31.
Variant type: single nucleotide variant.
Coding change: c.776T>C on transcript NM_005585.5 (MANE Select); coding-DNA position 776, T replaced by C.
Protein change: p.Val259Ala; replaces valine 259 with alanine.
Molecular consequence: missense variant. On other transcripts: non-coding transcript variant (1).
Genome position (GRCh38, 1-based): chr15:66,704,034, T>C. VCF-style: chr15-66704034-T-C. GRCh37 (hg19) VCF-style: chr15-66996372-T-C.
Other names: short protein forms V259A.
Identifiers: ClinVar variation 579137 (VCV000579137.14), dbSNP rs1049275389, ClinGen allele CA271683532.
Genomic context (GRCh38, chr15:66,704,034, plus strand): 5'-TGGAGCTGAAGCCCCTGTGCGGCTGCCACAGCTTCGCCGCCGCCGCCGACGGCCCTACCG[T>C]GTGCTGCAACCCCTACCACTTCAGCCGGCTCTGCGGGCCCGGTGAGCGCGCTGCGCCGGC-3'
Protein context (NP_005576.3, residues 249-269): SFAAAADGPT[Val259Ala]CCNPYHFSRL

ClinVar aggregate classification (germline): Conflicting classifications of pathogenicity. Review status: criteria provided, conflicting classifications (1 of 4 stars). 4 submissions from 4 submitters: Uncertain significance (3); Likely benign (1). Last evaluated 2025-04-02.

Conditions:
Inborn genetic diseases. Identifiers: MedGen C0950123, MeSH D030342.
Aortic valve disease 2 (AOVD2). Identifiers: MedGen C3542024, MONDO:0013902, OMIM 614823.
Craniosynostosis 7 (CRS7). Also called: CRANIOSYNOSTOSIS 7, DIGENIC; CRS7, DIGENIC. Identifiers: MedGen C4479496, MONDO:0044315, OMIM 617439.

Allele frequency attached by ClinVar (database versions not stated): gnomAD 0.00004; TOPMed 0.00004.
gnomAD v4.1: 87 of 1,513,680 alleles (0.0057%); highest among the groups gnomAD compares: Non-Finnish European, 0.0075%; no homozygotes.

Submissions (4):

Labcorp Genetics (formerly Invitae), Labcorp
Classification: Uncertain significance for Aortic valve disease 2. Last evaluated: 2025-04-02. Review status: criteria provided, single submitter. Criteria: Invitae Variant Classification Sherloc (09022015). Collection method: clinical testing. Allele origin: germline.
Comment: This sequence change replaces valine, which is neutral and non-polar, with alanine, which is neutral and non-polar, at codon 259 of the SMAD6 protein (p.Val259Ala). This variant is not present in population databases (gnomAD no frequency). This variant has not been reported in the literature in individuals affected with SMAD6-related conditions. ClinVar contains an entry for this variant (Variation ID: 579137). Invitae Evidence Modeling of protein sequence and biophysical properties (such as structural, functional, and spatial information, amino acid conservation, physicochemical variation, residue mobility, and thermodynamic stability) indicates that this missense variant is not expected to disrupt SMAD6 protein function with a negative predictive value of 80%. In summary, the available evidence is currently insufficient to determine the role of this variant in disease. Therefore, it has been classified as a Variant of Uncertain Significance.

Ambry Genetics
Classification: Uncertain significance for Inborn genetic diseases. Last evaluated: 2024-07-26. Review status: criteria provided, single submitter. Criteria: Ambry Variant Classification Scheme 2023. Collection method: clinical testing. Allele origin: germline.

Blueprint Genetics
Classification: Likely benign. Last evaluated: 2023-12-19. Review status: criteria provided, single submitter. Criteria: ACMG Guidelines, 2015. Collection method: clinical testing. Allele origin: germline.

Women's Health and Genetics/Laboratory Corporation of America, LabCorp
Classification: Uncertain significance. Last evaluated: 2023-07-30. Review status: criteria provided, single submitter. Criteria: LabCorp Variant Classification Summary - May 2015. Collection method: clinical testing. Allele origin: germline.